The following is an entry in ClinVar:

NM_003002.4(SDHD):c.427A>G (p.Asn143Asp)

Gene: SDHD (succinate dehydrogenase complex subunit D; plus strand). Cytogenetic location: 11q23.1.
Variant type: single nucleotide variant.
Coding change: c.427A>G on transcript NM_003002.4 (MANE Select); coding-DNA position 427, A replaced by G.
Protein change: p.Asn143Asp; replaces asparagine 143 with aspartic acid.
Molecular consequence: missense variant. On other transcripts: 3 prime UTR variant (2), non-coding transcript variant (1).
Genome position (GRCh38, 1-based): chr11:112,094,917, A>G. VCF-style: chr11-112094917-A-G. GRCh37 (hg19) VCF-style: chr11-111965641-A-G.
Other names: c.427A>G (NM_003002.2); c.310A>G, p.Asn104Asp (NM_001276504.2); c.*125A>G (NM_001276506.2); c.*24A>G (NM_001276503.2); short protein forms N104D, N143D.
Identifiers: ClinVar variation 1003698 (VCV001003698.11), dbSNP rs1865812863, ClinGen allele CA382619360.
Genomic context (GRCh38, chr11:112,094,917, plus strand): 5'-GCTGCCAAGGCAGGGCTTTTGGCACTTTCAGCTTTAACCTTTGCTGGGCTTTGCTATTTC[A>G]ACTATCACGATGTGGGCATCTGCAAAGCTGTTGCCATGCTGTGGAAGCTCTGACCTTTTT-3'
Protein context (NP_002993.1, residues 133-153): ALTFAGLCYF[Asn143Asp]YHDVGICKAV

ClinVar aggregate classification (germline): Uncertain significance. Review status: criteria provided, multiple submitters, no conflicts (2 of 4 stars). 2 submissions from 2 submitters: Uncertain significance (2). Last evaluated 2024-06-18.

Conditions:
Hereditary cancer-predisposing syndrome. Also called: Hereditary neoplastic syndrome; Neoplastic Syndromes, Hereditary; Tumor predisposition; Hereditary Cancer Syndrome. Identifiers: Orphanet 140162, MedGen C0027672, MeSH D009386, MONDO:0015356.
Pheochromocytoma. Also called: MAX-Related Hereditary Paraganglioma-Pheochromocytoma Syndrome. Identifiers: Orphanet 29072, MedGen C0031511, MONDO:0008233, OMIM 171300, HP:0002666.
Paragangliomas with sensorineural hearing loss. Identifiers: MedGen C1868633.
Cowden syndrome 3 (CWS3). Identifiers: Orphanet 201, MedGen CN166604, MONDO:0014045.
Carney-Stratakis syndrome. Also called: PARAGANGLIOMA AND GASTROINTESTINAL STROMAL TUMOR. Identifiers: Orphanet 97286, MedGen C1847319, MONDO:0011740, OMIM 606864.

Submissions (2):

Ambry Genetics
Classification: Uncertain significance for Hereditary cancer-predisposing syndrome. Last evaluated: 2024-06-18. Review status: criteria provided, single submitter. Criteria: Ambry Variant Classification Scheme 2023. Collection method: clinical testing. Allele origin: germline.
Comment: The p.N143D variant (also known as c.427A>G), located in coding exon 4 of the SDHD gene, results from an A to G substitution at nucleotide position 427. The asparagine at codon 143 is replaced by aspartic acid, an amino acid with highly similar properties. This amino acid position is conserved. In addition, this alteration is predicted to be deleterious by in silico analysis. Based on the available evidence, the clinical significance of this variant remains unclear.

Labcorp Genetics (formerly Invitae), Labcorp
Classification: Uncertain significance for Carney-Stratakis syndrome; Paragangliomas with sensorineural hearing loss; Pheochromocytoma; Cowden syndrome 3. Last evaluated: 2020-08-04. Review status: criteria provided, single submitter. Criteria: Invitae Variant Classification Sherloc (09022015). Collection method: clinical testing. Allele origin: germline.
Comment: This variant is not present in population databases (ExAC no frequency). This sequence change replaces asparagine with aspartic acid at codon 143 of the SDHD protein (p.Asn143Asp). The asparagine residue is highly conserved and there is a small physicochemical difference between asparagine and aspartic acid. This variant has not been reported in the literature in individuals with SDHD-related conditions. In summary, the available evidence is currently insufficient to determine the role of this variant in disease. Therefore, it has been classified as a Variant of Uncertain Significance. Advanced modeling of protein sequence and biophysical properties (such as structural, functional, and spatial information, amino acid conservation, physicochemical variation, residue mobility, and thermodynamic stability) performed at Invitae indicates that this missense variant is expected to disrupt SDHD protein function.